The following is an entry in ClinVar:

ClinVar aggregate classification (germline): Uncertain significance (1 of 4 stars; one submission).

Conditions:
Distal hereditary motor neuropathy type 2. Identifiers: Orphanet 139525, MedGen C3711384, MeSH C580044, MONDO:0015352.

Allele frequency attached by ClinVar (database versions not stated): gnomAD exomes below 0.00001.
gnomAD v4.1: 1 of 1,611,610 alleles (0.000062%); highest among the groups gnomAD compares: Non-Finnish European, 0.000085%; no homozygotes.

Submission:

Labcorp Genetics (formerly Invitae), Labcorp
Classification: Uncertain significance for Distal hereditary motor neuropathy type 2. Last evaluated: 2019-05-02. Review status: criteria provided, single submitter. Criteria: Invitae Variant Classification Sherloc (09022015). Collection method: clinical testing. Allele origin: germline.
Comment: In summary, the available evidence is currently insufficient to determine the role of this variant in disease. Therefore, it has been classified as a Variant of Uncertain Significance. Algorithms developed to predict the effect of missense changes on protein structure and function are either unavailable or do not agree on the potential impact of this missense change (SIFT: "Deleterious"; PolyPhen-2: "Benign"; Align-GVGD: "Class C0"). This variant has not been reported in the literature in individuals with FBXO38-related conditions. This variant is not present in population databases (ExAC no frequency). This sequence change replaces isoleucine with threonine at codon 187 of the FBXO38 protein (p.Ile187Thr). The isoleucine residue is highly conserved and there is a moderate physicochemical difference between isoleucine and threonine.

NM_205836.3(FBXO38):c.560T>C (p.Ile187Thr)

Gene: FBXO38 (F-box protein 38; plus strand). Cytogenetic location: 5q32.
Variant type: single nucleotide variant.
Coding change: c.560T>C on transcript NM_205836.3 (MANE Select); coding-DNA position 560, T replaced by C.
Protein change: p.Ile187Thr; replaces isoleucine 187 with threonine.
Molecular consequence: missense variant.
Genome position (GRCh38, 1-based): chr5:148,402,481, T>C. VCF-style: chr5-148402481-T-C. GRCh37 (hg19) VCF-style: chr5-147782044-T-C.
Other names: c.560T>C, p.Ile187Thr (NM_001271723.2, NM_030793.5); short protein forms I187T.
Identifiers: ClinVar variation 951062 (VCV000951062.11), dbSNP rs1470214468, ClinGen allele CA361655406.